The following is an entry in ClinVar:

ClinVar aggregate classification (germline): Likely benign (1 of 4 stars; one submission).

Allele frequency attached by ClinVar (database versions not stated): ExAC 0.00001.

Submission:

CeGaT Center for Human Genetics Tuebingen
Classification: Likely benign. Last evaluated: 2023-07-01. Review status: criteria provided, single submitter. Criteria: CeGaT Center For Human Genetics Tuebingen Variant Classification Criteria Version 2. Collection method: clinical testing. Allele origin: germline. Affected: yes. Observed: 1 variant allele.
Comment: TAF9B: BP4, BP7

NM_015975.5(TAF9B):c.159T>C (p.Asp53=)

Gene: TAF9B (TATA-box binding protein associated factor 9b; minus strand). Cytogenetic location: Xq21.1.
Variant type: single nucleotide variant.
Coding change: c.159T>C on transcript NM_015975.5 (MANE Select); coding-DNA position 159, T replaced by C.
Protein change: p.Asp53=; no amino-acid change (aspartic acid 53 retained).
Molecular consequence: synonymous variant.
Genome position (GRCh38, 1-based): chrX:78,138,073, A>G on the plus strand (T>C on the coding strand, the complement: TAF9B is on the minus strand). VCF-style: chrX-78138073-A-G. GRCh37 (hg19) VCF-style: chrX-77393570-A-G.
Identifiers: ClinVar variation 2660969 (VCV002660969.24), dbSNP rs782410167, ClinGen allele CA10460034.